The following is an entry in ClinVar:

ClinVar aggregate classification (germline): Likely pathogenic. Review status: criteria provided, single submitter (1 of 4 stars). 2 submissions from 2 submitters: Likely pathogenic (1). 1 of the submissions does not count toward it. Last evaluated 2016-07-03.

Conditions:
NRP2-related disorder. Also called: NRP2-related condition.
Inborn genetic diseases. Identifiers: MedGen C0950123, MeSH D030342.

Allele frequency attached by ClinVar (database versions not stated): gnomAD exomes below 0.00001 and 0.00002; gnomAD 0.00001; ExAC 0.00002; TOPMed 0.00002; ESP Exome Variant Server 0.00008.

Submissions (2):

Ambry Genetics
Classification: Likely pathogenic for Inborn genetic diseases. Last evaluated: 2016-07-03. Review status: criteria provided, single submitter. Criteria: Ambry exome assertion method (8-5-2015). Collection method: clinical testing. Allele origin: germline. Affected: yes. Observed: 1 variant allele.

PreventionGenetics, part of Exact Sciences
Classification: Uncertain significance for NRP2-related condition. Last evaluated: 2024-09-24. Review status: no assertion criteria provided. Collection method: clinical testing. Allele origin: germline. Not counted in ClinVar's aggregate classification.
Comment: The NRP2 c.2118delT variant is predicted to result in a frameshift and premature protein termination (p.Val707Serfs*69). To our knowledge, this variant has not been reported in the literature. This variant is reported in 0.0087% of alleles in individuals of Latino descent in gnomAD. Loss of function has not been conclusively established as a mechanism for NRP2-related phenotypes. At this time, the clinical significance of this variant is uncertain due to the absence of conclusive functional and genetic evidence.

NM_003872.3(NRP2):c.2118del (p.Val707fs)

Gene: NRP2 (neuropilin 2; plus strand). Cytogenetic location: 2q33.3.
Variant type: Deletion.
Coding change: c.2118del on transcript NM_003872.3 (MANE Select); coding-DNA position 2118, one base deleted (T; older notation c.2118delT).
Protein change: p.Val707fs; shifts the reading frame from valine 707.
Molecular consequence: frameshift variant.
Genome position (GRCh38, 1-based): chr2:205,763,747, T deleted. VCF-style (leftmost placement, unchanged base first): chr2-205763746-CT-C. GRCh37 (hg19) VCF-style: chr2-206628470-CT-C.
Other names: c.2118del, p.Val707fs (NM_018534.4, NM_201266.2, NM_201267.2 and 1 more transcripts); short protein forms V707fs.
Identifiers: ClinVar variation 521105 (VCV000521105.5), dbSNP rs779617179, ClinGen allele CA2069324.